The following is an entry in ClinVar:

ClinVar aggregate classification (germline): Likely benign. Review status: criteria provided, single submitter (1 of 4 stars). 2 submissions from 2 submitters: Likely benign (1). 1 of the submissions does not count toward it. Last evaluated 2024-03-17.

Conditions:
CCDC88C-related disorder. Also called: CCDC88C-related condition; CCDC88C-Related Disorders.

Allele frequency attached by ClinVar (database versions not stated): ExAC 0.00011; ESP Exome Variant Server 0.00071.
gnomAD v4.1: 51 of 1,613,934 alleles (0.0032%); highest among the groups gnomAD compares: African/African-American, 0.068%; no homozygotes.

Submissions (2):

Labcorp Genetics (formerly Invitae), Labcorp
Classification: Likely benign. Last evaluated: 2024-03-17. Review status: criteria provided, single submitter. Criteria: Invitae Variant Classification Sherloc (09022015). Collection method: clinical testing. Allele origin: germline.

PreventionGenetics, part of Exact Sciences
Classification: Likely benign for CCDC88C-related condition. Last evaluated: 2021-10-04. Review status: no assertion criteria provided. Collection method: clinical testing. Allele origin: germline. Not counted in ClinVar's aggregate classification.
Comment: This variant is classified as likely benign based on ACMG/AMP sequence variant interpretation guidelines (Richards et al. 2015 PMID: 25741868, with internal and published modifications).

NM_001080414.4(CCDC88C):c.4032G>C (p.Leu1344=)

Gene: CCDC88C (coiled-coil and HOOK domain protein 88C; minus strand). Cytogenetic location: 14q32.11.
Variant type: single nucleotide variant.
Coding change: c.4032G>C on transcript NM_001080414.4 (MANE Select); coding-DNA position 4032, G replaced by C.
Protein change: p.Leu1344=; no amino-acid change (leucine 1344 retained).
Molecular consequence: synonymous variant.
Genome position (GRCh38, 1-based): chr14:91,294,253, C>G on the plus strand (G>C on the coding strand, the complement: CCDC88C is on the minus strand). VCF-style: chr14-91294253-C-G. GRCh37 (hg19) VCF-style: chr14-91760597-C-G.
Other names: c.4032G>C (NM_001080414.3).
Identifiers: ClinVar variation 3021208 (VCV003021208.5), dbSNP rs372994123, ClinGen allele CA7309126.